The following is an entry in ClinVar:

NM_147127.5(EVC2):c.1110del (p.Glu371fs)

Gene: EVC2 (EvC ciliary complex subunit 2; minus strand). Cytogenetic location: 4p16.2.
Variant type: Deletion.
Coding change: c.1110del on transcript NM_147127.5 (MANE Select); coding-DNA position 1110, one base deleted (C; older notation c.1110delC).
Protein change: p.Glu371fs; shifts the reading frame from glutamic acid 371.
Molecular consequence: frameshift variant.
Genome position (GRCh38, 1-based): chr4:5,663,142, G deleted on the plus strand (C on the coding strand, the reverse complement: EVC2 is on the minus strand); the first of 2 consecutive G bases (chr4:5,663,142-5,663,143); deleting either gives the same sequence. VCF-style (leftmost placement, unchanged base first): chr4-5663141-CG-C. GRCh37 (hg19) VCF-style: chr4-5664868-CG-C.
Other names: c.870del, p.Glu291fs (NM_001166136.2); short protein forms E291fs, E371fs.
Identifiers: ClinVar variation 439672 (VCV000439672.9), dbSNP rs1553846613, ClinGen allele CA645509143.

ClinVar aggregate classification (germline): Pathogenic. Review status: criteria provided, multiple submitters, no conflicts (2 of 4 stars). 2 submissions from 2 submitters: Pathogenic (2). Last evaluated 2024-07-02.

Conditions:
Ellis-van Creveld syndrome (EVC). Also called: MESOECTODERMAL DYSPLASIA; Chondroectodermal dysplasia. Identifiers: Orphanet 289, MedGen C0013903, MONDO:0009162, OMIM 225500.

Submissions (2):

Myriad Genetics, Inc.
Classification: Pathogenic for Ellis-van Creveld syndrome. Last evaluated: 2024-07-02. Review status: criteria provided, single submitter. Criteria: Myriad Autosomal Dominant, Autosomal Recessive and X-Linked Classification Criteria (2023). Collection method: clinical testing. Allele origin: unknown.
Comment: NM_147127.4(EVC2):c.1110delC(E371Rfs*10) is expected to be pathogenic in the context of EVC2-related Ellis-van Creveld syndrome. This variant is predicted to lead to an abnormal or absent protein product due to the creation of a premature termination codon in EVC2, a gene where loss-of-function variants are known to be pathogenic. Please note: this variant was assessed in the context of healthy population screening.

ARUP Laboratories, Molecular Genetics and Genomics, ARUP Laboratories
Classification: Pathogenic. Last evaluated: 2017-04-11. Review status: criteria provided, single submitter. Criteria: ARUP Molecular Germline Variant Investigation Process. Collection method: clinical testing. Allele origin: germline.